The following is an entry in ClinVar:

NM_144997.7(FLCN):c.1579C>A (p.Arg527=)

Gene: FLCN (folliculin; minus strand). Cytogenetic location: 17p11.2.
Variant type: single nucleotide variant.
Coding change: c.1579C>A on transcript NM_144997.7 (MANE Select); coding-DNA position 1579, C replaced by A.
Protein change: p.Arg527=; no amino-acid change (arginine 527 retained).
Molecular consequence: synonymous variant.
Genome position (GRCh38, 1-based): chr17:17,213,816, G>T on the plus strand (C>A on the coding strand, the complement: FLCN is on the minus strand). VCF-style: chr17-17213816-G-T. GRCh37 (hg19) VCF-style: chr17-17117130-G-T.
Other names: c.1633C>A, p.Arg545= (NM_001353229.2); c.1579C>A, p.Arg527= (NM_001353230.2, NM_001353231.2).
Identifiers: ClinVar variation 1145457 (VCV001145457.8), dbSNP rs879255683, ClinGen allele CA498163137.
Genomic context (GRCh38, chr17:17,213,816, plus strand): 5'-CATTGTCCTCCTCGGACGCACCCAGGATGCTCAGCAGCTTCTGTGTGTCCTCTTTGGGTC[G>T]ACTGTCCACCTTGGTGAACTTAAAAAGCACCTTCACTTTGCTGAAGAAAACCAAAACAAA-3'
Protein context (NP_659434.2, residues 517-537): VLFKFTKVDS[Arg527=]PKEDTQKLLS

ClinVar aggregate classification (germline): Benign/Likely benign. Review status: criteria provided, multiple submitters, no conflicts (2 of 4 stars). 2 submissions from 2 submitters: Benign (1); Likely benign (1). Last evaluated 2024-10-28.

Conditions:
Birt-Hogg-Dube syndrome. Also called: Birt Hogg Dubé syndrome. Identifiers: Orphanet 122, MedGen C0346010, MONDO:0800444.
Birt-Hogg-Dube syndrome 1 (BHD1). Also called: FIBROFOLLICULOMAS WITH TRICHODISCOMAS AND ACROCHORDONS. Identifiers: Orphanet 122, MedGen CN375946, MONDO:0800445, OMIM 135150.

Submissions (2):

Myriad Genetics, Inc.
Classification: Benign for Birt-Hogg-Dube syndrome 1. Last evaluated: 2024-10-28. Review status: criteria provided, single submitter. Criteria: Myriad Autosomal Dominant, Autosomal Recessive and X-Linked Classification Criteria (2023). Collection method: clinical testing. Allele origin: unknown.
Comment: This variant is considered benign. This variant is a silent/synonymous amino acid change and it is not expected to impact splicing.

Labcorp Genetics (formerly Invitae), Labcorp
Classification: Likely benign for Birt-Hogg-Dube syndrome. Last evaluated: 2019-03-14. Review status: criteria provided, single submitter. Criteria: Invitae Variant Classification Sherloc (09022015). Collection method: clinical testing. Allele origin: germline.